The following is an entry in ClinVar:

ClinVar aggregate classification (germline): Likely benign (1 of 4 stars; one submission).

Allele frequency attached by ClinVar (database versions not stated): 1000 Genomes Project 0.00339; 1000 Genomes Project 30x 0.00453; TOPMed 0.00572; gnomAD 0.00593; ESP Exome Variant Server 0.00677; ExAC 0.00747; gnomAD exomes 0.00809.
gnomAD v4.1: 12,686 of 1,613,744 alleles (0.79%); highest among the groups gnomAD compares: Non-Finnish European, 0.91%; 67 homozygotes.

Submission:

CeGaT Center for Human Genetics Tuebingen
Classification: Likely benign. Last evaluated: 2022-12-01. Review status: criteria provided, single submitter. Criteria: CeGaT Center For Human Genetics Tuebingen Variant Classification Criteria Version 2. Collection method: clinical testing. Allele origin: germline. Affected: yes. Observed: 1 variant allele.
Comment: CYP3A5: BP4, BS2

NM_000777.5(CYP3A5):c.88C>T (p.His30Tyr)

Genes: CYP3A5 (cytochrome P450 family 3 subfamily A member 5; minus strand), ZSCAN25 (zinc finger and SCAN domain containing 25; plus strand). Cytogenetic location: 7q22.1.
Variant type: single nucleotide variant.
Coding change: c.88C>T on transcript NM_000777.5 (MANE Select); coding-DNA position 88, C replaced by T.
Protein change: p.His30Tyr; replaces histidine 30 with tyrosine.
Molecular consequence: missense variant. On other transcripts: 5 prime UTR variant (1), non-coding transcript variant (1).
Genome position (GRCh38, 1-based): chr7:99,676,192, G>A on the plus strand (C>T on the coding strand, the complement: CYP3A5 is on the minus strand). VCF-style: chr7-99676192-G-A. GRCh37 (hg19) VCF-style: chr7-99273815-G-A.
Other names: c.88C>T, p.His30Tyr (NM_001190484.3); c.-384C>T (NM_001291829.2); c.58C>T, p.His20Tyr (NM_001291830.2); short protein forms H20Y, H30Y.
Identifiers: ClinVar variation 2657725 (VCV002657725.24), dbSNP rs28383468, ClinGen allele CA4368761.